The following is an entry in ClinVar:

NM_001367561.1(DOCK7):c.3320C>T (p.Ser1107Leu)

Gene: DOCK7 (dedicator of cytokinesis 7; minus strand). Cytogenetic location: 1p31.3.
Variant type: single nucleotide variant.
Coding change: c.3320C>T on transcript NM_001367561.1 (MANE Select); coding-DNA position 3320, C replaced by T.
Protein change: p.Ser1107Leu; replaces serine 1107 with leucine.
Molecular consequence: missense variant.
Genome position (GRCh38, 1-based): chr1:62,538,042, G>A on the plus strand (C>T on the coding strand, the complement: DOCK7 is on the minus strand). VCF-style: chr1-62538042-G-A. GRCh37 (hg19) VCF-style: chr1-63003713-G-A.
Other names: c.3320C>T, p.Ser1107Leu (NM_001271999.2, NM_001330614.2); c.3227C>T, p.Ser1076Leu (NM_001272000.2, NM_001272001.2, NM_033407.4); short protein forms S1107L, S1076L.
Identifiers: ClinVar variation 2130250 (VCV002130250.4), dbSNP rs1315226686, ClinGen allele CA340607730.

ClinVar aggregate classification (germline): Uncertain significance (1 of 4 stars; one submission).

Conditions:
Developmental and epileptic encephalopathy, 23 (DEE23). Also called: Epileptic encephalopathy, early infantile, 23. Identifiers: Orphanet 411986, MedGen C4014492, MONDO:0014371, OMIM 615859.

Submission:

Labcorp Genetics (formerly Invitae), Labcorp
Classification: Uncertain significance for Developmental and epileptic encephalopathy, 23. Last evaluated: 2025-07-21. Review status: criteria provided, single submitter. Criteria: Invitae Variant Classification Sherloc (09022015). Collection method: clinical testing. Allele origin: germline.
Comment: This sequence change replaces serine, which is neutral and polar, with leucine, which is neutral and non-polar, at codon 1107 of the DOCK7 protein (p.Ser1107Leu). This variant is not present in population databases (gnomAD no frequency). This variant has not been reported in the literature in individuals affected with DOCK7-related conditions. ClinVar contains an entry for this variant (Variation ID: 2130250). Invitae Evidence Modeling of protein sequence and biophysical properties (such as structural, functional, and spatial information, amino acid conservation, physicochemical variation, residue mobility, and thermodynamic stability) indicates that this missense variant is not expected to disrupt DOCK7 protein function with a negative predictive value of 80%. In summary, the available evidence is currently insufficient to determine the role of this variant in disease. Therefore, it has been classified as a Variant of Uncertain Significance.